The following is an entry in ClinVar:

ClinVar aggregate classification (germline): Likely benign. Review status: criteria provided, multiple submitters, no conflicts (2 of 4 stars). 2 submissions from 2 submitters: Likely benign (2). Last evaluated 2025-11-07.

Conditions:
INPP5E-related disorder. Also called: INPP5E-related condition.
Joubert syndrome. Also called: JOUBERT-BOLTSHAUSER SYNDROME; Familial aplasia of the vermis. Identifiers: Orphanet 475, MedGen C5979921, MONDO:0018772.

Allele frequency attached by ClinVar (database versions not stated): ExAC 0.00004.
gnomAD v4.1: 21 of 1,603,380 alleles (0.0013%); highest among the groups gnomAD compares: South Asian, 0.009%; 1 homozygote.

Submissions (2):

PreventionGenetics, part of Exact Sciences
Classification: Likely benign for INPP5E-related condition. Last evaluated: 2025-11-07. Review status: criteria provided, single submitter. Criteria: ACMG Guidelines, 2015. Collection method: clinical testing. Allele origin: germline.
Comment: This variant is classified as likely benign based on ACMG/AMP sequence variant interpretation guidelines (Richards et al. 2015 PMID: 25741868, with internal and published modifications).

Labcorp Genetics (formerly Invitae), Labcorp
Classification: Likely benign for Joubert syndrome. Last evaluated: 2023-01-02. Review status: criteria provided, single submitter. Criteria: Invitae Variant Classification Sherloc (09022015). Collection method: clinical testing. Allele origin: germline.

NM_019892.6(INPP5E):c.813-7G>A

Gene: INPP5E (inositol polyphosphate-5-phosphatase E; minus strand). Cytogenetic location: 9q34.3.
Variant type: single nucleotide variant.
Coding change: c.813-7G>A on transcript NM_019892.6 (MANE Select); 7 bases into the intron before coding-DNA position 813, G replaced by A.
Molecular consequence: intron variant.
Genome position (GRCh38, 1-based): chr9:136,434,870, C>T on the plus strand (G>A on the coding strand, the complement: INPP5E is on the minus strand). VCF-style: chr9-136434870-C-T. GRCh37 (hg19) VCF-style: chr9-139329322-C-T.
Other names: c.813-7G>A (NM_001318502.2, NM_019892.5).
Identifiers: ClinVar variation 2894834 (VCV002894834.4), dbSNP rs774539451, ClinGen allele CA5337061.